The following is an entry in ClinVar:

NM_001164508.2(NEB):c.6080T>A (p.Leu2027His)

Gene: NEB (nebulin; minus strand). Cytogenetic location: 2q23.3.
Variant type: single nucleotide variant.
Coding change: c.6080T>A on transcript NM_001164508.2 (MANE Select); coding-DNA position 6080, T replaced by A.
Protein change: p.Leu2027His; replaces leucine 2027 with histidine.
Molecular consequence: missense variant.
Genome position (GRCh38, 1-based): chr2:151,658,086, A>T on the plus strand (T>A on the coding strand, the complement: NEB is on the minus strand). VCF-style: chr2-151658086-A-T. GRCh37 (hg19) VCF-style: chr2-152514600-A-T.
Other names: c.6080T>A, p.Leu2027His (NM_001164507.2, NM_001271208.2, NM_004543.5); short protein forms L2027H.
Identifiers: ClinVar variation 2090588 (VCV002090588.1), dbSNP rs2552253788, ClinGen allele CA348802522.
Genomic context (GRCh38, chr2:151,658,086, plus strand): 5'-ATTGCATCAGGTCTGAGATCATAGCCTTTCTTTTTAGACTCTTCCAAGGAAAGTTTGTAG[A>T]GTTTCTGTAAAGAGAGGCAAAGGGAAGAGTTTTCTTCTAAATATGAAAGCCTGGATTTAT-3'
Protein context (NP_001157980.2, residues 2017-2037): KANAINMSDK[Leu2027His]YKLSLEESKK

ClinVar aggregate classification (germline): Uncertain significance (1 of 4 stars; one submission).

Conditions:
Nemaline myopathy 2 (NEM2). Also called: Nemaline myopathy 2, autosomal recessive. Identifiers: MedGen C1850569, MONDO:0009725, OMIM 256030.

Submission:

Labcorp Genetics (formerly Invitae), Labcorp
Classification: Uncertain significance for Nemaline myopathy 2. Last evaluated: 2022-03-29. Review status: criteria provided, single submitter. Criteria: Invitae Variant Classification Sherloc (09022015). Collection method: clinical testing. Allele origin: germline.
Comment: This sequence change replaces leucine, which is neutral and non-polar, with histidine, which is basic and polar, at codon 2027 of the NEB protein (p.Leu2027His). This variant is not present in population databases (gnomAD no frequency). This variant has not been reported in the literature in individuals affected with NEB-related conditions. Algorithms developed to predict the effect of missense changes on protein structure and function output the following: SIFT: "Deleterious"; PolyPhen-2: "Not Available"; Align-GVGD: "Class C0". The histidine amino acid residue is found in multiple mammalian species, which suggests that this missense change does not adversely affect protein function. In summary, the available evidence is currently insufficient to determine the role of this variant in disease. Therefore, it has been classified as a Variant of Uncertain Significance.